The following is an entry in ClinVar:

ClinVar aggregate classification (germline): Uncertain significance. Review status: criteria provided, multiple submitters, no conflicts (2 of 4 stars). 2 submissions from 2 submitters: Uncertain significance (2). Last evaluated 2023-04-03.

Conditions:
Multiple endocrine neoplasia, type 2 (MEN2). Identifiers: Orphanet 653, MedGen C4048306, MONDO:0019003. Disease mechanism: gain of function.

gnomAD v4.1: 1 of 1,613,898 alleles (0.000062%); highest among the groups gnomAD compares: Non-Finnish European, 0.000085%; no homozygotes.

Submissions (2):

All of Us Research Program, National Institutes of Health
Classification: Uncertain significance for Multiple endocrine neoplasia, type 2. Last evaluated: 2023-04-03. Review status: criteria provided, single submitter. Criteria: ACMG Guidelines, 2015. Collection method: clinical testing. Allele origin: germline. Inheritance: Autosomal dominant inheritance. Observed: 1 variant allele, 1 heterozygote.
Comment: This missense variant replaces asparagine with isoleucine at codon 1059 of the RET protein. Computational prediction suggests that this variant may have deleterious impact on protein structure and function (internally defined REVEL score threshold >= 0.7, PMID: 27666373). To our knowledge, functional studies have not been reported for this variant. This variant has not been reported in individuals affected with RET-related disorders in the literature. This variant has not been identified in the general population by the Genome Aggregation Database (gnomAD). The available evidence is insufficient to determine the role of this variant in disease conclusively. Therefore, this variant is classified as a Variant of Uncertain Significance.

This study involves interpretation of variants in research participants for the purpose of population health screening. Participant phenotype was not available at the time of variant classification. Additional details can be found in publication PMID: 35346344, PMCID: PMC8962531

Labcorp Genetics (formerly Invitae), Labcorp
Classification: Uncertain significance for Multiple endocrine neoplasia, type 2. Last evaluated: 2022-09-09. Review status: criteria provided, single submitter. Criteria: Invitae Variant Classification Sherloc (09022015). Collection method: clinical testing. Allele origin: germline.
Comment: This sequence change replaces asparagine, which is neutral and polar, with isoleucine, which is neutral and non-polar, at codon 1059 of the RET protein (p.Asn1059Ile). This variant is not present in population databases (gnomAD no frequency). This variant has not been reported in the literature in individuals affected with RET-related conditions. ClinVar contains an entry for this variant (Variation ID: 664740). Algorithms developed to predict the effect of missense changes on protein structure and function are either unavailable or do not agree on the potential impact of this missense change (SIFT: "Deleterious"; PolyPhen-2: "Probably Damaging"; Align-GVGD: "Class C0"). In summary, the available evidence is currently insufficient to determine the role of this variant in disease. Therefore, it has been classified as a Variant of Uncertain Significance.

NM_020975.6(RET):c.3176A>T (p.Asn1059Ile)

Gene: RET (ret proto-oncogene; plus strand). Cytogenetic location: 10q11.21.
Variant type: single nucleotide variant.
Coding change: c.3176A>T on transcript NM_020975.6 (MANE Select); coding-DNA position 3176, A replaced by T.
Protein change: p.Asn1059Ile; replaces asparagine 1059 with isoleucine.
Molecular consequence: missense variant.
Genome position (GRCh38, 1-based): chr10:43,126,711, A>T. VCF-style: chr10-43126711-A-T. GRCh37 (hg19) VCF-style: chr10-43622159-A-T.
Other names: c.2279A>T, p.Asn760Ile (NM_001406782.1, NM_001406779.1, NM_001406780.1 and 1 more transcripts); c.2150A>T, p.Asn717Ile (NM_001406783.1, NM_001406786.1); c.2186A>T, p.Asn729Ile (NM_001406784.1); c.2159A>T, p.Asn720Ile (NM_001406785.1); c.2144A>T, p.Asn715Ile (NM_001406787.1); c.1991A>T, p.Asn664Ile (NM_001406788.1, NM_001406789.1, NM_001406790.1); c.1871A>T, p.Asn624Ile (NM_001406791.1); c.1727A>T, p.Asn576Ile (NM_001406792.1, NM_001406794.1); and 10 more; short protein forms N805I, N1059I, N664I, N717I, N817I, N913I, N715I, N729I.
Identifiers: ClinVar variation 664740 (VCV000664740.10), dbSNP rs772395752, ClinGen allele CA376558541.